The following is an entry in ClinVar:

ClinVar aggregate classification (germline): Uncertain significance (1 of 4 stars; one submission).

Submission:

Ambry Genetics
Classification: Uncertain significance. Last evaluated: 2025-11-21. Review status: criteria provided, single submitter. Criteria: Ambry Variant Classification Scheme 2023. Collection method: clinical testing. Allele origin: germline.
Comment: The c.1745+3A>G intronic variant results from an A to G substitution 3 nucleotides after coding exon 8 in the ATRIP gene. This nucleotide position is highly conserved in available vertebrate species. In silico splice site analysis predicts that this alteration will weaken the native splice donor site. The evidence for this gene-disease relationship is limited; therefore, the clinical significance of this alteration is unclear.

NM_130384.3(ATRIP):c.1745+3A>G

Genes: ATRIP (ATR interacting protein; plus strand), ATRIP-TREX1 (ATRIP-TREX1 readthrough; plus strand). Cytogenetic location: 3p21.31.
Variant type: single nucleotide variant.
Coding change: c.1745+3A>G on transcript NM_130384.3 (MANE Select); 3 bases into the intron after coding-DNA position 1745, A replaced by G.
Molecular consequence: intron variant.
Genome position (GRCh38, 1-based): chr3:48,460,802, A>G. VCF-style: chr3-48460802-A-G. GRCh37 (hg19) VCF-style: chr3-48502201-A-G.
Other names: c.1745+3A>G (NM_032166.4); c.1364+3A>G (NM_001271022.2); c.1466+3A>G (NM_001271023.2).
Identifiers: ClinVar variation 4644587 (VCV004644587.1).